The following is an entry in ClinVar:

ClinVar aggregate classification (germline): Uncertain significance (1 of 4 stars; one submission).

Submission:

Labcorp Genetics (formerly Invitae), Labcorp
Classification: Uncertain significance. Last evaluated: 2024-11-30. Review status: criteria provided, single submitter. Criteria: Invitae Variant Classification Sherloc (09022015). Collection method: clinical testing. Allele origin: germline.
Comment: This sequence change replaces proline, which is neutral and non-polar, with arginine, which is basic and polar, at codon 293 of the ZNF687 protein (p.Pro293Arg). This variant is not present in population databases (gnomAD no frequency). This variant has not been reported in the literature in individuals affected with ZNF687-related conditions. An algorithm developed to predict the effect of missense changes on protein structure and function (PolyPhen-2) suggests that this variant is likely to be tolerated. In summary, the available evidence is currently insufficient to determine the role of this variant in disease. Therefore, it has been classified as a Variant of Uncertain Significance.

NM_020832.3(ZNF687):c.878C>G (p.Pro293Arg)

Gene: ZNF687 (zinc finger protein 687; plus strand). Cytogenetic location: 1q21.3.
Variant type: single nucleotide variant.
Coding change: c.878C>G on transcript NM_020832.3 (MANE Select); coding-DNA position 878, C replaced by G.
Protein change: p.Pro293Arg; replaces proline 293 with arginine.
Molecular consequence: missense variant.
Genome position (GRCh38, 1-based): chr1:151,287,169, C>G. VCF-style: chr1-151287169-C-G. GRCh37 (hg19) VCF-style: chr1-151259645-C-G.
Other names: c.878C>G, p.Pro293Arg (NM_001304763.2, NM_001304764.2); short protein forms P293R.
Identifiers: ClinVar variation 3690475 (VCV003690475.2).